The following is an entry in ClinVar:

ClinVar aggregate classification (germline): Uncertain significance. Review status: criteria provided, multiple submitters, no conflicts (2 of 4 stars). 2 submissions from 2 submitters: Uncertain significance (2). Last evaluated 2024-03-12.

Conditions:
Hereditary cancer-predisposing syndrome. Also called: Neoplastic Syndromes, Hereditary; Tumor predisposition; Hereditary Cancer Syndrome; Hereditary neoplastic syndrome. Identifiers: Orphanet 140162, MedGen C0027672, MeSH D009386, MONDO:0015356.

Allele frequency attached by ClinVar (database versions not stated): gnomAD exomes below 0.00001.
gnomAD v4.1: 1 of 1,613,464 alleles (0.000062%); highest among the groups gnomAD compares: African/African-American, 0.0013%; no homozygotes.

Submissions (2):

Labcorp Genetics (formerly Invitae), Labcorp
Classification: Uncertain significance. Last evaluated: 2024-03-12. Review status: criteria provided, single submitter. Criteria: Invitae Variant Classification Sherloc (09022015). Collection method: clinical testing. Allele origin: germline.
Comment: This sequence change replaces leucine, which is neutral and non-polar, with arginine, which is basic and polar, at codon 2219 of the POLE protein (p.Leu2219Arg). This variant is not present in population databases (gnomAD no frequency). This variant has not been reported in the literature in individuals affected with POLE-related conditions. ClinVar contains an entry for this variant (Variation ID: 1754712). An algorithm developed to predict the effect of missense changes on protein structure and function (PolyPhen-2) suggests that this variant is likely to be disruptive. In summary, the available evidence is currently insufficient to determine the role of this variant in disease. Therefore, it has been classified as a Variant of Uncertain Significance.

Ambry Genetics
Classification: Uncertain significance for Hereditary cancer-predisposing syndrome. Last evaluated: 2022-04-19. Review status: criteria provided, single submitter. Criteria: Ambry Variant Classification Scheme 2023. Collection method: clinical testing. Allele origin: germline.
Comment: The p.L2219R variant (also known as c.6656T>G), located in coding exon 47 of the POLE gene, results from a T to G substitution at nucleotide position 6656. The leucine at codon 2219 is replaced by arginine, an amino acid with dissimilar properties. This amino acid position is conserved. In addition, this alteration is predicted to be deleterious by in silico analysis. Since supporting evidence is limited at this time, the clinical significance of this alteration remains unclear.

NM_006231.4(POLE):c.6656T>G (p.Leu2219Arg)

Gene: POLE (DNA polymerase epsilon, catalytic subunit; minus strand). Cytogenetic location: 12q24.33.
Variant type: single nucleotide variant.
Coding change: c.6656T>G on transcript NM_006231.4 (MANE Select); coding-DNA position 6656, T replaced by G.
Protein change: p.Leu2219Arg; replaces leucine 2219 with arginine.
Molecular consequence: missense variant.
Genome position (GRCh38, 1-based): chr12:132,625,646, A>C on the plus strand (T>G on the coding strand, the complement: POLE is on the minus strand). VCF-style: chr12-132625646-A-C. GRCh37 (hg19) VCF-style: chr12-133202232-A-C.
Other names: short protein forms L2219R.
Identifiers: ClinVar variation 1754712 (VCV001754712.8), dbSNP rs2541836762, ClinGen allele CA387366392.